The following is an entry in ClinVar:

ClinVar aggregate classification (germline): Pathogenic (1 of 4 stars; one submission).

Conditions:
Primary pulmonary hypertension. Also called: Idiopathic pulmonary hypertension. Identifiers: MedGen C0152171.

Submission:

Labcorp Genetics (formerly Invitae), Labcorp
Classification: Pathogenic for Primary pulmonary hypertension. Last evaluated: 2023-04-19. Review status: criteria provided, single submitter. Criteria: Invitae Variant Classification Sherloc (09022015). Collection method: clinical testing. Allele origin: unknown.
Comment: For these reasons, this variant has been classified as Pathogenic. This variant disrupts a region of the BMPR2 protein in which other variant(s) (p.Arg491Gln) have been determined to be pathogenic (PMID: 10903931, 32581362). This suggests that this is a clinically significant region of the protein, and that variants that disrupt it are likely to be disease-causing. A similar copy number variant has been observed in individual(s) with pulmonary arterial hypertension (PMID: 21801371). This variant is a gross deletion of the genomic region encompassing exon(s) 4-13 of the BMPR2 gene, which includes the termination codon. This deletion extends beyond the assayed region for this gene and therefore may encompass additional genes. While this deletion is not anticipated to lead to nonsense mediated decay, it is expected to alter mRNA translation or result in a truncated protein product.

Literature cited by the submitters: PubMed 10903931; PubMed 32581362; PubMed 21801371.

NC_000002.11:g.(?_203378422)_(203424669_?)del

Gene: BMPR2 (bone morphogenetic protein receptor type 2; plus strand). Cytogenetic location: 2q33.2.
Variant type: Deletion.
Identifiers: ClinVar variation 3247136 (VCV003247136.1).